The following is an entry in ClinVar:

ClinVar aggregate classification (germline): Uncertain significance (1 of 4 stars; one submission).

Conditions:
Spermatogenic failure 18. Identifiers: MedGen C4539783, MONDO:0054615, OMIM 617576.
Ciliary dyskinesia, primary, 37 (CILD37). Also called: CILIARY DYSKINESIA, PRIMARY, 37, WITH OR WITHOUT SITUS INVERSUS. Identifiers: MedGen C4539798, MONDO:0033204, OMIM 617577.

Allele frequency attached by ClinVar (database versions not stated): gnomAD exomes 0.00001; ExAC 0.00004; ESP Exome Variant Server 0.00008.
gnomAD v4.1: 19 of 1,613,558 alleles (0.0012%); highest among the groups gnomAD compares: African/African-American, 0.015%; no homozygotes.

Submission:

Labcorp Genetics (formerly Invitae), Labcorp
Classification: Uncertain significance for Ciliary dyskinesia, primary, 37; Spermatogenic failure 18. Last evaluated: 2025-03-05. Review status: criteria provided, single submitter. Criteria: Invitae Variant Classification Sherloc (09022015). Collection method: clinical testing. Allele origin: germline.
Comment: This sequence change replaces glutamic acid, which is acidic and polar, with lysine, which is basic and polar, at codon 2371 of the DNAH1 protein (p.Glu2371Lys). This variant is present in population databases (rs372172175, gnomAD 0.03%). This variant has not been reported in the literature in individuals affected with DNAH1-related conditions. ClinVar contains an entry for this variant (Variation ID: 2059603). Invitae Evidence Modeling of protein sequence and biophysical properties (such as structural, functional, and spatial information, amino acid conservation, physicochemical variation, residue mobility, and thermodynamic stability) indicates that this missense variant is expected to disrupt DNAH1 protein function with a positive predictive value of 80%. In summary, the available evidence is currently insufficient to determine the role of this variant in disease. Therefore, it has been classified as a Variant of Uncertain Significance.

NM_015512.5(DNAH1):c.7111G>A (p.Glu2371Lys)

Gene: DNAH1 (dynein axonemal heavy chain 1; plus strand). Cytogenetic location: 3p21.1.
Variant type: single nucleotide variant.
Coding change: c.7111G>A on transcript NM_015512.5 (MANE Select); coding-DNA position 7111, G replaced by A.
Protein change: p.Glu2371Lys; replaces glutamic acid 2371 with lysine.
Molecular consequence: missense variant.
Genome position (GRCh38, 1-based): chr3:52,375,365, G>A. VCF-style: chr3-52375365-G-A. GRCh37 (hg19) VCF-style: chr3-52409381-G-A.
Other names: short protein forms E2371K.
Identifiers: ClinVar variation 2059603 (VCV002059603.2), dbSNP rs372172175, ClinGen allele CA2434757.
Genomic context (GRCh38, chr3:52,375,365, plus strand): 5'-AACACCGTCACCCCGCGGCTGATGCGTCACTTCAACTACCTGTCTTTCGCTGAGATGGAC[G>A]AGGTCAGCAAGAAACGCATCTTCTCCACCATCCTGGGCAACTGGTTGGGTGAGTATTGGT-3'
Protein context (NP_056327.4, residues 2361-2381): FNYLSFAEMD[Glu2371Lys]VSKKRIFSTI